The following is an entry in ClinVar:

NM_033305.3(VPS13A):c.2593C>T (p.Arg865Ter)

Gene: VPS13A (vacuolar protein sorting 13 homolog A; plus strand). Cytogenetic location: 9q21.2.
Variant type: single nucleotide variant.
Coding change: c.2593C>T on transcript NM_033305.3 (MANE Select); coding-DNA position 2593, C replaced by T.
Protein change: p.Arg865Ter; replaces arginine 865 with a stop codon.
Molecular consequence: nonsense.
Genome position (GRCh38, 1-based): chr9:77,275,578, C>T. VCF-style: chr9-77275578-C-T. GRCh37 (hg19) VCF-style: chr9-79890494-C-T.
Other names: c.2593C>T, p.Arg865Ter (NM_001018037.2, NM_001018038.3, NM_015186.4); c.2593C>T (NM_033305.2); short protein forms R865*.
Identifiers: ClinVar variation 1457402 (VCV001457402.11), dbSNP rs766404788, ClinGen allele CA5091984.

ClinVar aggregate classification (germline): Pathogenic. Review status: criteria provided, multiple submitters, no conflicts (2 of 4 stars). 4 submissions from 4 submitters: Pathogenic (4). Last evaluated 2025-03-27.

Conditions:
VPS13A-related neurodegenerative disease. Also called: Choreoacanthocytosis; Chorea-acanthocytosis; Choreaacanthocytosis; VPS13A Disease; ACANTHOCYTOSIS WITH NEUROLOGIC DISORDER; LEVINE-CRITCHLEY SYNDROME. Identifiers: Orphanet 2388, MedGen C0393576, MONDO:0008695, OMIM 200150.
VPS13A-related disorder. Also called: VPS13A-related condition.

Allele frequency attached by ClinVar (database versions not stated): gnomAD 0.00001; gnomAD exomes below 0.00001; ExAC 0.00001.
gnomAD v4.1: 3 of 1,613,450 alleles (0.00019%); highest among the groups gnomAD compares: Non-Finnish European, 0.00017%; no homozygotes.

Submissions (4):

Natera, Inc.
Classification: Pathogenic for Choreaacanthocytosis. Last evaluated: 2025-03-27. Review status: criteria provided, single submitter. Criteria: Natera Variant Classification Schema (03/2026). Collection method: clinical testing. Allele origin: germline.
Comment: The c.2593C>T variant in VPS13A is a nonsense variant predicted to introduce a stop codon at amino acid 865. This variant is expected to result in nonsense mediated decay, truncation, or a dysfunctional protein product. This variant is rare in the general population with a frequency below the threshold expected for the associated phenotype(s). This variant has been observed in one or more individuals affected with the associated recessive disease, as either homozygous or compound heterozygous with a second variant (PMID: 12404112, 35707035). Given the available evidence, this variant is classified as Pathogenic.

Myriad Genetics, Inc.
Classification: Pathogenic for VPS13A-related neurodegenerative disease. Last evaluated: 2024-05-14. Review status: criteria provided, single submitter. Criteria: Myriad Autosomal Dominant, Autosomal Recessive and X-Linked Classification Criteria (2023). Collection method: clinical testing. Allele origin: unknown.
Comment: NM_033305.2(VPS13A):c.2593C>T(R865*) is expected to be pathogenic in the context of VPS13A disease. This variant is predicted to lead to an abnormal or absent protein product due to the creation of a premature termination codon in VPS13A, a gene where loss-of-function variants are known to be pathogenic. Please note: this variant was assessed in the context of healthy population screening.

Labcorp Genetics (formerly Invitae), Labcorp
Classification: Pathogenic. Last evaluated: 2023-11-18. Review status: criteria provided, single submitter. Criteria: Invitae Variant Classification Sherloc (09022015). Collection method: clinical testing. Allele origin: germline.
Comment: This sequence change creates a premature translational stop signal (p.Arg865*) in the VPS13A gene. It is expected to result in an absent or disrupted protein product. Loss-of-function variants in VPS13A are known to be pathogenic (PMID: 12404112, 21598378). This variant is present in population databases (rs766404788, gnomAD 0.003%). This premature translational stop signal has been observed in individual(s) with choreoacanthocytosis (PMID: 12404112, 31192303). ClinVar contains an entry for this variant (Variation ID: 1457402). For these reasons, this variant has been classified as Pathogenic.

Blueprint Genetics
Classification: Pathogenic for VPS13A-related disorders. Last evaluated: 2022-02-15. Review status: criteria provided, single submitter. Criteria: ACMG Guidelines, 2015. Collection method: clinical testing. Allele origin: germline. Affected: yes. Observed: 1 variant allele.

Literature cited by the submitters: PubMed 12404112 (cited by Natera, Inc. and Labcorp Genetics (formerly Invitae), Labcorp); PubMed 35707035 (cited by Natera, Inc.); PubMed 21598378 (cited by Labcorp Genetics (formerly Invitae), Labcorp); PubMed 31192303 (cited by Labcorp Genetics (formerly Invitae), Labcorp).